The following is an entry in ClinVar:

ClinVar aggregate classification (germline): Benign/Likely benign. Review status: criteria provided, multiple submitters, no conflicts (2 of 4 stars). 5 submissions from 5 submitters: Benign (1); Likely benign (4). Last evaluated 2025-11-05.

Conditions:
Hereditary cancer-predisposing syndrome. Also called: Tumor predisposition; Hereditary Cancer Syndrome; Hereditary neoplastic syndrome; Neoplastic Syndromes, Hereditary. Identifiers: Orphanet 140162, MedGen C0027672, MeSH D009386, MONDO:0015356.
POLD1-related polyposis and colorectal cancer syndrome (CRCS10). Also called: Colorectal cancer 10; COLORECTAL CANCER, SUSCEPTIBILITY TO, ON CHROMOSOME 19q; Colorectal cancer, susceptibility to, 10. Identifiers: Orphanet 220460, MedGen C2675481, MONDO:0012953, OMIM 612591.

Allele frequency attached by ClinVar (database versions not stated): gnomAD 0.00001.
gnomAD v4.1: 1 of 1,611,448 alleles (0.000062%); highest among the groups gnomAD compares: African/African-American, 0.0013%; no homozygotes.

Submissions (5):

Labcorp Genetics (formerly Invitae), Labcorp
Classification: Likely benign for POLD1-related polyposis and colorectal cancer syndrome. Last evaluated: 2025-11-05. Review status: criteria provided, single submitter. Criteria: Invitae Variant Classification Sherloc (09022015). Collection method: clinical testing. Allele origin: germline.

Myriad Genetics, Inc.
Classification: Benign for POLD1-related polyposis and colorectal cancer syndrome. Last evaluated: 2025-02-05. Review status: criteria provided, single submitter. Criteria: Myriad Autosomal Dominant, Autosomal Recessive and X-Linked Classification Criteria (2023). Collection method: clinical testing. Allele origin: unknown.
Comment: This variant is considered benign. This variant is a silent/synonymous amino acid change and it is not expected to impact splicing.

Sema4
Classification: Likely benign for Hereditary cancer-predisposing syndrome. Last evaluated: 2020-11-20. Review status: criteria provided, single submitter. Criteria: Sema4 Curation Guidelines. Collection method: curation. Allele origin: germline.

GeneDx
Classification: Likely benign. Last evaluated: 2019-03-15. Review status: criteria provided, single submitter. Criteria: GeneDx Variant Classification Process June 2021. Collection method: clinical testing. Allele origin: germline. Affected: yes.

Ambry Genetics
Classification: Likely benign for Hereditary cancer-predisposing syndrome. Last evaluated: 2016-07-07. Review status: criteria provided, single submitter. Criteria: Ambry Variant Classification Scheme 2023. Collection method: clinical testing. Allele origin: germline.

NM_002691.4(POLD1):c.1230C>T (p.Ala410=)

Gene: POLD1 (DNA polymerase delta 1, catalytic subunit; plus strand). Cytogenetic location: 19q13.33.
Variant type: single nucleotide variant.
Coding change: c.1230C>T on transcript NM_002691.4 (MANE Select); coding-DNA position 1230, C replaced by T.
Protein change: p.Ala410=; no amino-acid change (alanine 410 retained).
Molecular consequence: synonymous variant. On other transcripts: non-coding transcript variant (1).
Genome position (GRCh38, 1-based): chr19:50,403,585, C>T. VCF-style: chr19-50403585-C-T. GRCh37 (hg19) VCF-style: chr19-50906842-C-T.
Other names: c.1230C>T, p.Ala410= (NM_001256849.1, NM_001308632.1).
Identifiers: ClinVar variation 484350 (VCV000484350.20), dbSNP rs1198011574, ClinGen allele CA508183248.